The following is an entry in ClinVar:

ClinVar aggregate classification (germline): Likely benign. Review status: criteria provided, multiple submitters, no conflicts (2 of 4 stars). 2 submissions from 2 submitters: Likely benign (2). Last evaluated 2018-01-18.

Conditions:
Amyotrophic lateral sclerosis type 15. Also called: AMYOTROPHIC LATERAL SCLEROSIS 15 WITH FRONTOTEMPORAL DEMENTIA. Identifiers: Orphanet 803, MedGen C3275459, MONDO:0010459, OMIM 300857.

Allele frequency attached by ClinVar (database versions not stated): 1000 Genomes Project 0.00742; 1000 Genomes Project 30x 0.00749; TOPMed 0.01160; gnomAD 0.01382 and 0.01401; gnomAD exomes 0.03937.

Submissions (2):

Illumina Laboratory Services, Illumina
Classification: Likely benign for Amyotrophic lateral sclerosis type 15. Last evaluated: 2018-01-18. Review status: criteria provided, single submitter. Criteria: ICSL Variant Classification Criteria 13 December 2019. Collection method: clinical testing. Allele origin: germline.
Comment: This variant was observed as part of a predisposition screen in an ostensibly healthy population. A literature search was performed for the gene, cDNA change, and amino acid change (where applicable). No publications were found based on this search. Allele frequency data from public databases allowed determination this variant is unlikely to cause disease. Therefore, this variant is classified as likely benign.

Breakthrough Genomics
Classification: Likely benign. Review status: criteria provided, single submitter. Criteria: ACMG Guidelines, 2015. Collection method: not provided. Allele origin: germline. Inheritance: X-linked inheritance. Affected: yes.

NM_013444.4(UBQLN2):c.*1258C>T

Gene: UBQLN2 (ubiquilin 2; plus strand). Cytogenetic location: Xp11.21.
Variant type: single nucleotide variant.
Coding change: c.*1258C>T on transcript NM_013444.4 (MANE Select); 1258 bases downstream of the stop codon, C replaced by T.
Molecular consequence: 3 prime UTR variant.
Genome position (GRCh38, 1-based): chrX:56,567,006, C>T. VCF-style: chrX-56567006-C-T. GRCh37 (hg19) VCF-style: chrX-56593439-C-T.
Identifiers: ClinVar variation 368614 (VCV000368614.7), dbSNP rs41306757, ClinGen allele CA10654032.